The following is an entry in ClinVar:

NM_000059.4(BRCA2):c.6427T>G (p.Ser2143Ala)

Gene: BRCA2 (BRCA2 DNA repair associated; plus strand). Cytogenetic location: 13q13.1.
Variant type: single nucleotide variant.
Coding change: c.6427T>G on transcript NM_000059.4 (MANE Select); coding-DNA position 6427, T replaced by G.
Protein change: p.Ser2143Ala; replaces serine 2143 with alanine.
Molecular consequence: missense variant. On other transcripts: non-coding transcript variant (1), intron variant (2).
Genome position (GRCh38, 1-based): chr13:32,340,782, T>G. VCF-style: chr13-32340782-T-G. GRCh37 (hg19) VCF-style: chr13-32914919-T-G.
Other names: c.6427T>G, p.Ser2143Ala (NM_001406719.1, NM_001406720.1, NM_001432077.1); c.1910-3776T>G (NM_001406721.1); c.425-3776T>G (NM_001406722.1); short protein forms S2143A.
Identifiers: ClinVar variation 4856500 (VCV004856500.1).
Genomic context (GRCh38, chr13:32,340,782, plus strand): 5'-GAAAAAACCTGCAGTAAAGAATTTAAATTATCAAATAACTTAAATGTTGAAGGTGGTTCT[T>G]CAGAAAATAATCACTCTATTAAAGTTTCTCCATATCTCTCTCAATTTCAACAAGACAAAC-3'
Protein context (NP_000050.3, residues 2133-2153): SNNLNVEGGS[Ser2143Ala]ENNHSIKVSP

ClinVar aggregate classification (germline): Likely benign (1 of 4 stars; one submission).

Conditions:
Breast-ovarian cancer, familial, susceptibility to, 2 (BROVCA2). Also called: BRCA2 Hereditary Breast and Ovarian Cancer. Identifiers: Orphanet 145, MedGen C2675520, MONDO:0012933, OMIM 612555. Disease mechanism: loss of function.

Submission:

Cancer Bioinformatics and Tumour Evolution Laboratory, Monash University
Classification: Likely benign for Breast-ovarian cancer, familial, susceptibility to, 2. Last evaluated: 2026-05-01. Review status: criteria provided, single submitter. Criteria: ClinGen BRCA1 and BRCA2 Guidelines, 2024. Collection method: curation. Allele origin: germline. Inheritance: Autosomal dominant inheritance.
Comment: Missense variant outside of a functional domain with no splice impact. BRCA1 and BRCA2 VCEP guidelines recommend application of BP1_Strong (PMID: 39142283)